The following is an entry in ClinVar:

ClinVar aggregate classification (germline): Conflicting classifications of pathogenicity. Review status: criteria provided, conflicting classifications (1 of 4 stars). 2 submissions from 2 submitters: Uncertain significance (1); Likely benign (1). Last evaluated 2024-05-28.

Conditions:
Hereditary cancer-predisposing syndrome. Also called: Hereditary neoplastic syndrome; Neoplastic Syndromes, Hereditary; Hereditary Cancer Syndrome; Tumor predisposition. Identifiers: Orphanet 140162, MedGen C0027672, MeSH D009386, MONDO:0015356.
Hereditary breast ovarian cancer syndrome. Also called: BRCA1- and BRCA2-Associated Hereditary Breast and Ovarian Cancer; Hereditary breast and ovarian cancer syndrome; Hereditary breast and ovarian cancer syndrome (HBOC); Hereditary breast and/or ovarian cancer syndrome; Breast and ovarian cancer; Hereditary breast and ovarian cancer. Identifiers: Orphanet 145, MedGen C0677776, MeSH D061325, MONDO:0003582. Disease mechanism: loss of function.

Submissions (2):

Labcorp Genetics (formerly Invitae), Labcorp
Classification: Uncertain significance for Hereditary breast ovarian cancer syndrome. Last evaluated: 2024-05-28. Review status: criteria provided, single submitter. Criteria: Invitae Variant Classification Sherloc (09022015). Collection method: clinical testing. Allele origin: germline.
Comment: This sequence change replaces isoleucine, which is neutral and non-polar, with serine, which is neutral and polar, at codon 2149 of the BRCA2 protein (p.Ile2149Ser). This variant is not present in population databases (gnomAD no frequency). This variant has not been reported in the literature in individuals affected with BRCA2-related conditions. ClinVar contains an entry for this variant (Variation ID: 657782). Advanced modeling of protein sequence and biophysical properties (such as structural, functional, and spatial information, amino acid conservation, physicochemical variation, residue mobility, and thermodynamic stability) performed at Invitae indicates that this missense variant is not expected to disrupt BRCA2 protein function with a negative predictive value of 95%. In summary, the available evidence is currently insufficient to determine the role of this variant in disease. Therefore, it has been classified as a Variant of Uncertain Significance.

University of Washington Department of Laboratory Medicine, University of Washington
Classification: Likely benign for Hereditary cancer-predisposing syndrome. Last evaluated: 2023-03-23. Review status: criteria provided, single submitter. Criteria: Dines et al. (Genet Med. 2020). Collection method: curation. Allele origin: germline.
Comment: Missense variant in a coldspot region where missense variants are very unlikely to be pathogenic (PMID:31911673).

BRCA2 exon 11 coldspot. Reclassification based on statistical prior probability.

NM_000059.4(BRCA2):c.6446T>G (p.Ile2149Ser)

Gene: BRCA2 (BRCA2 DNA repair associated; plus strand). Cytogenetic location: 13q13.1.
Variant type: single nucleotide variant.
Coding change: c.6446T>G on transcript NM_000059.4 (MANE Select); coding-DNA position 6446, T replaced by G.
Protein change: p.Ile2149Ser; replaces isoleucine 2149 with serine.
Molecular consequence: missense variant.
Genome position (GRCh38, 1-based): chr13:32,340,801, T>G. VCF-style: chr13-32340801-T-G. GRCh37 (hg19) VCF-style: chr13-32914938-T-G.
Other names: short protein forms I2149S.
Identifiers: ClinVar variation 657782 (VCV000657782.10), dbSNP rs1593908714, ClinGen allele CA387789322.